The following is an entry in ClinVar:

ClinVar aggregate classification (germline): Likely pathogenic (1 of 4 stars; one submission).

Allele frequency attached by ClinVar (database versions not stated): gnomAD exomes below 0.00001 and 0.00001.
gnomAD v4.1: 4 of 1,614,034 alleles (0.00025%); highest among the groups gnomAD compares: Non-Finnish European, 0.00017%; no homozygotes.

Submission:

Labcorp Genetics (formerly Invitae), Labcorp
Classification: Likely pathogenic. Last evaluated: 2023-09-06. Review status: criteria provided, single submitter. Criteria: Invitae Variant Classification Sherloc (09022015). Collection method: clinical testing. Allele origin: germline.
Comment: In summary, the currently available evidence indicates that the variant is pathogenic, but additional data are needed to prove that conclusively. Therefore, this variant has been classified as Likely Pathogenic. Algorithms developed to predict the effect of sequence changes on RNA splicing suggest that this variant may disrupt the consensus splice site. ClinVar contains an entry for this variant (Variation ID: 1490464). This variant has not been reported in the literature in individuals affected with LAMA3-related conditions. This variant is present in population databases (rs780861460, gnomAD 0.0009%). This sequence change affects a donor splice site in intron 35 of the LAMA3 gene. It is expected to disrupt RNA splicing. Variants that disrupt the donor or acceptor splice site typically lead to a loss of protein function (PMID: 16199547), and loss-of-function variants in LAMA3 are known to be pathogenic (PMID: 10366601, 11810295, 12915477, 16473856, 17362460, 22434185, 23869449, 27827380, 28087116).

Literature cited by the submitters: PubMed 16199547; PubMed 10366601; PubMed 11810295; PubMed 12915477; PubMed 16473856; PubMed 17362460; PubMed 22434185; PubMed 23869449; PubMed 27827380; PubMed 28087116.

NM_198129.4(LAMA3):c.9642+1G>A

Gene: LAMA3 (laminin subunit alpha 3; plus strand). Cytogenetic location: 18q11.2.
Variant type: single nucleotide variant.
Coding change: c.9642+1G>A on transcript NM_198129.4 (MANE Select); the canonical splice donor site of the intron after coding-DNA position 9642, G replaced by A.
Molecular consequence: splice donor variant.
Genome position (GRCh38, 1-based): chr18:23,950,160, G>A. VCF-style: chr18-23950160-G-A. GRCh37 (hg19) VCF-style: chr18-21530124-G-A.
Other names: c.4815+1G>A (NM_000227.6); c.4647+1G>A (NM_001127718.4); c.9474+1G>A (NM_001127717.4).
Identifiers: ClinVar variation 1490464 (VCV001490464.6), dbSNP rs780861460, ClinGen allele CA297100511.
Genomic context (GRCh38, chr18:23,950,160, plus strand): 5'-CTAATACACATCGGAAGTCAGCCCGGGAAGCACTTATGTGTTTACCTGGAGGCAGGAAAG[G>A]TGTGTAGCAGTCTGATGCCATGGGGAGGGTCTGTAGAAACCAGCTTCAATGTCTGGAGGC-3'